The following is an entry in ClinVar:

NM_001943.5(DSG2):c.2899G>T (p.Val967Leu)

Genes: DSG2 (desmoglein 2; plus strand), DSG2-AS1 (DSG2 antisense RNA 1; minus strand). Cytogenetic location: 18q12.1.
Variant type: single nucleotide variant.
Coding change: c.2899G>T on transcript NM_001943.5 (MANE Select); coding-DNA position 2899, G replaced by T.
Protein change: p.Val967Leu; replaces valine 967 with leucine.
Molecular consequence: missense variant.
Genome position (GRCh38, 1-based): chr18:31,546,285, G>T. VCF-style: chr18-31546285-G-T. GRCh37 (hg19) VCF-style: chr18-29126248-G-T.
Other names: short protein forms V967L.
Identifiers: ClinVar variation 4758708 (VCV004758708.1).

ClinVar aggregate classification (germline): Uncertain significance (1 of 4 stars; one submission).

Conditions:
Cardiomyopathy (CMYO). Also called: Cardiomyopathies. Identifiers: Orphanet 167848, MedGen C0878544, MONDO:0004994, HP:0001638. Inheritance: Various modes of inheritance.

gnomAD v4.1: 2 of 1,602,496 alleles (0.00012%); highest among the groups gnomAD compares: Non-Finnish European, 0.00017%; no homozygotes.

Submission:

Color Diagnostics, LLC DBA Color Health
Classification: Uncertain significance for Cardiomyopathy. Last evaluated: 2025-06-30. Review status: criteria provided, single submitter. Criteria: ACMG Guidelines, 2015. Collection method: clinical testing. Allele origin: germline.
Comment: This missense variant replaces valine with leucine at codon 967 of the DSG2 protein. Computational prediction suggests that this variant may not impact protein structure and function. To our knowledge, functional studies have not been reported for this variant. This variant has not been reported in individuals affected with DSG2-related disorders in the literature. This variant has not been identified in the general population by the Genome Aggregation Database (gnomAD). The available evidence is insufficient to determine the role of this variant in disease conclusively. Therefore, this variant is classified as a Variant of Uncertain Significance.